The following is an entry in ClinVar:

ClinVar aggregate classification (germline): Uncertain significance (1 of 4 stars; one submission).

Conditions:
Cardiomyopathy (CMYO). Also called: Cardiomyopathies. Identifiers: Orphanet 167848, MedGen C0878544, MONDO:0004994, HP:0001638. Inheritance: Various modes of inheritance.

gnomAD v4.1: 3 of 1,613,790 alleles (0.00019%); highest among the groups gnomAD compares: Non-Finnish European, 0.00025%; no homozygotes.

Submission:

Color Diagnostics, LLC DBA Color Health
Classification: Uncertain significance for Cardiomyopathy. Last evaluated: 2025-09-01. Review status: criteria provided, single submitter. Criteria: ACMG Guidelines, 2015. Collection method: clinical testing. Allele origin: germline.
Comment: This missense variant replaces histidine with arginine at codon 65 of the DSC2 protein. Computational prediction suggests that this variant may not impact protein structure and function. To our knowledge, functional studies have not been reported for this variant. This variant has not been reported in individuals affected with DSC2-related disorders in the literature. This variant has not been identified in the general population by the Genome Aggregation Database (gnomAD). The available evidence is insufficient to determine the role of this variant in disease conclusively. Therefore, this variant is classified as a Variant of Uncertain Significance.

NM_024422.6(DSC2):c.194A>G (p.His65Arg)

Gene: DSC2 (desmocollin 2; minus strand). Cytogenetic location: 18q12.1.
Variant type: single nucleotide variant.
Coding change: c.194A>G on transcript NM_024422.6 (MANE Select); coding-DNA position 194, A replaced by G.
Protein change: p.His65Arg; replaces histidine 65 with arginine.
Molecular consequence: missense variant. On other transcripts: 5 prime UTR variant (2).
Genome position (GRCh38, 1-based): chr18:31,092,261, T>C on the plus strand (A>G on the coding strand, the complement: DSC2 is on the minus strand). VCF-style: chr18-31092261-T-C. GRCh37 (hg19) VCF-style: chr18-28672224-T-C.
Other names: c.-236A>G (NM_001406506.1, NM_001406507.1); c.194A>G, p.His65Arg (NM_004949.5); short protein forms H65R.
Identifiers: ClinVar variation 4756204 (VCV004756204.1).